The following is an entry in ClinVar:

NM_017588.3(WDR5):c.974A>G (p.Lys325Arg)

Gene: WDR5 (WD repeat domain 5; plus strand). Cytogenetic location: 9q34.2.
Variant type: single nucleotide variant.
Coding change: c.974A>G on transcript NM_017588.3 (MANE Select); coding-DNA position 974, A replaced by G.
Protein change: p.Lys325Arg; replaces lysine 325 with arginine.
Molecular consequence: missense variant.
Genome position (GRCh38, 1-based): chr9:134,157,962, A>G. VCF-style: chr9-134157962-A-G. GRCh37 (hg19) VCF-style: chr9-137023084-A-G.
Other names: c.974A>G, p.Lys325Arg (NM_001384409.1, NM_001384410.1, NM_001384411.1 and 5 more transcripts); c.971A>G, p.Lys324Arg (NM_001384416.1); c.965A>G, p.Lys322Arg (NM_001384417.1); c.845A>G, p.Lys282Arg (NM_001384418.1, NM_001384419.1); short protein forms K282R, K322R, K324R, K325R.
Identifiers: ClinVar variation 2499398 (VCV002499398.1), dbSNP rs2539731875, ClinGen allele CA375439631.

ClinVar aggregate classification (germline): Uncertain significance (1 of 4 stars; one submission).

Submission:

GeneDx
Classification: Uncertain significance. Last evaluated: 2022-10-13. Review status: criteria provided, single submitter. Criteria: GeneDx Variant Classification Process June 2021. Collection method: clinical testing. Allele origin: germline. Affected: yes.
Comment: Not observed at significant frequency in large population cohorts (gnomAD); In silico analysis supports that this missense variant does not alter protein structure/function; Has not been previously published as pathogenic or benign to our knowledge; Variants in candidate genes are classified as variants of uncertain significance in accordance with ACMG guidelines (Richards et al., 2015)